The following is an entry in ClinVar:

NM_003611.3(OFD1):c.2757+52C>T

Gene: OFD1 (OFD1 centriole and centriolar satellite protein; plus strand). Cytogenetic location: Xp22.2.
Variant type: single nucleotide variant.
Coding change: c.2757+52C>T on transcript NM_003611.3 (MANE Select); 52 bases into the intron after coding-DNA position 2757, C replaced by T.
Molecular consequence: intron variant.
Genome position (GRCh38, 1-based): chrX:13,767,336, C>T. VCF-style: chrX-13767336-C-T. GRCh37 (hg19) VCF-style: chrX-13785455-C-T.
Other names: c.2337+52C>T (NM_001330210.2); c.2637+52C>T (NM_001330209.2).
Identifiers: ClinVar variation 679615 (VCV000679615.1), dbSNP rs189935382, ClinGen allele CA10352078.

ClinVar aggregate classification (germline): Likely benign (1 of 4 stars; one submission).

Allele frequency attached by ClinVar (database versions not stated): 1000 Genomes Project 0.00159; 1000 Genomes Project 30x 0.00187; TOPMed 0.00189; ESP Exome Variant Server 0.00250; gnomAD 0.00283 and 0.00301; gnomAD exomes 0.00352 and 0.00393; ExAC 0.00372.

Submission:

GeneDx
Classification: Likely benign. Last evaluated: 2018-06-14. Review status: criteria provided, single submitter. Criteria: GeneDx Variant Classification (06012015). Collection method: clinical testing. Allele origin: germline. Affected: yes.
Comment: This variant is considered likely benign or benign based on one or more of the following criteria: it is a conservative change, it occurs at a poorly conserved position in the protein, it is predicted to be benign by multiple in silico algorithms, and/or has population frequency not consistent with disease.